The following is an entry in ClinVar:

NM_005732.4(RAD50):c.328G>A (p.Glu110Lys)

Gene: RAD50 (RAD50 double strand break repair protein; plus strand). Cytogenetic location: 5q31.1.
Variant type: single nucleotide variant.
Coding change: c.328G>A on transcript NM_005732.4 (MANE Select); coding-DNA position 328, G replaced by A.
Protein change: p.Glu110Lys; replaces glutamic acid 110 with lysine.
Molecular consequence: missense variant.
Genome position (GRCh38, 1-based): chr5:132,575,891, G>A. VCF-style: chr5-132575891-G-A. GRCh37 (hg19) VCF-style: chr5-131911583-G-A.
Other names: short protein forms E110K.
Identifiers: ClinVar variation 2128024 (VCV002128024.4), dbSNP rs2479608444, ClinGen allele CA360931250.

ClinVar aggregate classification (germline): Uncertain significance (1 of 4 stars; one submission).

Conditions:
Hereditary cancer-predisposing syndrome. Also called: Hereditary neoplastic syndrome; Tumor predisposition; Hereditary Cancer Syndrome; Neoplastic Syndromes, Hereditary. Identifiers: Orphanet 140162, MedGen C0027672, MeSH D009386, MONDO:0015356.

Submission:

Labcorp Genetics (formerly Invitae), Labcorp
Classification: Uncertain significance for Hereditary cancer-predisposing syndrome. Last evaluated: 2022-04-19. Review status: criteria provided, single submitter. Criteria: Invitae Variant Classification Sherloc (09022015). Collection method: clinical testing. Allele origin: germline.
Comment: In summary, the available evidence is currently insufficient to determine the role of this variant in disease. Therefore, it has been classified as a Variant of Uncertain Significance. Algorithms developed to predict the effect of missense changes on protein structure and function are either unavailable or do not agree on the potential impact of this missense change (SIFT: "Tolerated"; PolyPhen-2: "Possibly Damaging"; Align-GVGD: "Class C0"). This variant has not been reported in the literature in individuals affected with RAD50-related conditions. This variant is not present in population databases (gnomAD no frequency). This sequence change replaces glutamic acid, which is acidic and polar, with lysine, which is basic and polar, at codon 110 of the RAD50 protein (p.Glu110Lys).